The following is an entry in ClinVar:

ClinVar aggregate classification (germline): Uncertain significance (1 of 4 stars; one submission).

Submission:

Labcorp Genetics (formerly Invitae), Labcorp
Classification: Uncertain significance. Last evaluated: 2020-01-17. Review status: criteria provided, single submitter. Criteria: Invitae Variant Classification Sherloc (09022015). Collection method: clinical testing. Allele origin: germline.
Comment: In summary, the available evidence is currently insufficient to determine the role of this variant in disease. Therefore, it has been classified as a Variant of Uncertain Significance. Algorithms developed to predict the effect of missense changes on protein structure and function (SIFT, PolyPhen-2, Align-GVGD) all suggest that this variant is likely to be tolerated, but these predictions have not been confirmed by published functional studies and their clinical significance is uncertain. This variant has not been reported in the literature in individuals with SZT2-related conditions. This variant is not present in population databases (ExAC no frequency). This sequence change replaces serine with alanine at codon 1059 of the SZT2 protein (p.Ser1059Ala). The serine residue is highly conserved and there is a moderate physicochemical difference between serine and alanine.

NM_001365999.1(SZT2):c.3346T>G (p.Ser1116Ala)

Gene: SZT2 (SZT2 subunit of KICSTOR complex; plus strand). Cytogenetic location: 1p34.2.
Variant type: single nucleotide variant.
Coding change: c.3346T>G on transcript NM_001365999.1 (MANE Select); coding-DNA position 3346, T replaced by G.
Protein change: p.Ser1116Ala; replaces serine 1116 with alanine.
Molecular consequence: missense variant.
Genome position (GRCh38, 1-based): chr1:43,427,092, T>G. VCF-style: chr1-43427092-T-G. GRCh37 (hg19) VCF-style: chr1-43892763-T-G.
Other names: c.3175T>G, p.Ser1059Ala (NM_015284.4); short protein forms S1059A, S1116A.
Identifiers: ClinVar variation 947871 (VCV000947871.9), dbSNP rs1653246106, ClinGen allele CA340017217.
Genomic context (GRCh38, chr1:43,427,092, plus strand): 5'-CTAATTTCTGTTTTTCTCTTACAGAGTGTAGGTCTTCCTGAAACTCTCAAGCCTCTCATC[T>G]CTGCCCAGCCCCCTCAGTGGCGCTGCTATGCAAGGCTTGTGAACCCCCAGCATGTGTTTC-3'
Protein context (NP_001352928.1, residues 1106-1126): GLPETLKPLI[Ser1116Ala]AQPPQWRCYA